The following is an entry in ClinVar:

ClinVar aggregate classification (germline): Uncertain significance. Review status: criteria provided, multiple submitters, no conflicts (2 of 4 stars). 2 submissions from 2 submitters: Uncertain significance (2). Last evaluated 2025-09-22.

Conditions:
Familial hemophagocytic lymphohistiocytosis 3 (FHL3). Also called: UNC13D-Related Familial Hemophagocytic Lymphohistiocytosis (UNC13D-fHLH). Identifiers: Orphanet 540, MedGen C1837174, MONDO:0012146, OMIM 608898.

Allele frequency attached by ClinVar (database versions not stated): gnomAD 0.00004 and 0.00006; 1000 Genomes Project 30x 0.00016; 1000 Genomes Project 0.00020.
gnomAD v4.1: 24 of 1,612,550 alleles (0.0015%); highest among the groups gnomAD compares: East Asian, 0.047%; no homozygotes.

Submissions (2):

Women's Health and Genetics/Laboratory Corporation of America, LabCorp
Classification: Uncertain significance. Last evaluated: 2025-09-22. Review status: criteria provided, single submitter. Criteria: LabCorp Variant Classification Summary - May 2015. Collection method: clinical testing. Allele origin: germline.
Comment: Variant summary: UNC13D c.859-3C>T alters a nucleotide located close to a canonical splice site and therefore could affect mRNA splicing, leading to a significantly altered protein sequence. Consensus agreement among computation tools predict no significant impact on normal splicing. However, these predictions have yet to be confirmed by functional studies. The variant allele was found at a frequency of 4.1e-05 in 246318 control chromosomes (gnomAD). This frequency is not significantly higher than estimated for disease-causing variants in UNC13D, allowing no conclusion about variant significance. c.859-3C>T has been observed in individuals affected with Familial Hemophagocytic Lymphohistiocytosis (Chen_2018, Xinh_2021). These reports do not provide unequivocal conclusions about association of the variant with Familial Hemophagocytic Lymphohistiocytosis. To our knowledge, no experimental evidence demonstrating an impact on protein function has been reported. The following publications have been ascertained in the context of this evaluation (PMID: 29665027, 34339548). ClinVar contains an entry for this variant (Variation ID: 1348123). Based on the evidence outlined above, the variant was classified as uncertain significance.

Labcorp Genetics (formerly Invitae), Labcorp
Classification: Uncertain significance for Familial hemophagocytic lymphohistiocytosis 3. Last evaluated: 2024-12-02. Review status: criteria provided, single submitter. Criteria: Invitae Variant Classification Sherloc (09022015). Collection method: clinical testing. Allele origin: germline.
Comment: This sequence change falls in intron 10 of the UNC13D gene. It does not directly change the encoded amino acid sequence of the UNC13D protein. It affects a nucleotide within the consensus splice site. The frequency data for this variant in the population databases is considered unreliable, as metrics indicate poor data quality at this position in the gnomAD database. This variant has been observed in individual(s) with hemophagocytic lymphohistiocytosis (PMID: 29665027, 34339548). ClinVar contains an entry for this variant (Variation ID: 1348123). Variants that disrupt the consensus splice site are a relatively common cause of aberrant splicing (PMID: 17576681, 9536098). Algorithms developed to predict the effect of sequence changes on RNA splicing suggest that this variant may disrupt the consensus splice site. In summary, the available evidence is currently insufficient to determine the role of this variant in disease. Therefore, it has been classified as a Variant of Uncertain Significance.

Literature cited by the submitters: PubMed 29665027 (cited by Women's Health and Genetics/Laboratory Corporation of America, LabCorp and Labcorp Genetics (formerly Invitae), Labcorp); PubMed 34339548 (cited by Women's Health and Genetics/Laboratory Corporation of America, LabCorp and Labcorp Genetics (formerly Invitae), Labcorp); PubMed 17576681 (cited by Labcorp Genetics (formerly Invitae), Labcorp); PubMed 9536098 (cited by Labcorp Genetics (formerly Invitae), Labcorp).

NM_199242.3(UNC13D):c.859-3C>T

Gene: UNC13D (unc-13 homolog D; minus strand). Cytogenetic location: 17q25.1.
Variant type: single nucleotide variant.
Coding change: c.859-3C>T on transcript NM_199242.3 (MANE Select); 3 bases into the intron before coding-DNA position 859, C replaced by T.
Molecular consequence: intron variant.
Genome position (GRCh38, 1-based): chr17:75,840,113, G>A on the plus strand (C>T on the coding strand, the complement: UNC13D is on the minus strand). VCF-style: chr17-75840113-G-A. GRCh37 (hg19) VCF-style: chr17-73836194-G-A.
Identifiers: ClinVar variation 1348123 (VCV001348123.7), dbSNP rs563600513, ClinGen allele CA8773230.